The following is an entry in ClinVar:

ClinVar aggregate classification (germline): Uncertain significance (1 of 4 stars; one submission).

Submission:

Laboratorio de Genetica e Diagnostico Molecular, Hospital Israelita Albert Einstein
Classification: Uncertain significance. Last evaluated: 2021-01-27. Review status: criteria provided, single submitter. Criteria: ACMG Guidelines, 2015. Collection method: clinical testing. Allele origin: germline. Affected: yes.
Comment: ACMG classification criteria: PM2

NM_001349338.3(FOXP1):c.1653-5C>G

Gene: FOXP1 (forkhead box P1; minus strand). Cytogenetic location: 3p13.
Variant type: single nucleotide variant.
Coding change: c.1653-5C>G on transcript NM_001349338.3 (MANE Select); 5 bases into the intron before coding-DNA position 1653, C replaced by G.
Molecular consequence: intron variant.
Genome position (GRCh38, 1-based): chr3:70,970,810, G>C on the plus strand (C>G on the coding strand, the complement: FOXP1 is on the minus strand). VCF-style: chr3-70970810-G-C. GRCh37 (hg19) VCF-style: chr3-71019961-G-C.
Other names: c.1701-5C>G (NM_001244810.2); c.1653-5C>G (NM_032682.6, NM_001349340.3, NM_001244816.2 and 1 more transcripts); c.1650-5C>G (NM_001349341.3, NM_001244808.3); c.1425-5C>G (NM_001244812.3); c.1350-5C>G (NM_001349343.3, NM_001349337.2, NM_001370548.1 and 1 more transcripts); c.1353-5C>G (NM_001349342.3, NM_001244815.2, NM_001244813.3).
Identifiers: ClinVar variation 1690441 (VCV001690441.2), dbSNP rs771029995, ClinGen allele CA2573137425.
Genomic context (GRCh38, chr3:70,970,810, plus strand): 5'-TGAGAGGTGTGCAGTAGGCGTGGCTGCTCTGCATGTTTTTAATAAGGGAAGGGTTACTGT[G>C]TAAGAAAAACATAAAAACTCAAAGTTAAACACAGTCGACTGCTGAGTTCCTAGCTAAGTT-3'